The following is an entry in ClinVar:

NM_005094.4(SLC27A4):c.1104G>A (p.Trp368Ter)

Gene: SLC27A4 (solute carrier family 27 member 4; plus strand). Cytogenetic location: 9q34.11.
Variant type: single nucleotide variant.
Coding change: c.1104G>A on transcript NM_005094.4 (MANE Select); coding-DNA position 1104, G replaced by A.
Protein change: p.Trp368Ter; replaces tryptophan 368 with a stop codon.
Molecular consequence: nonsense.
Genome position (GRCh38, 1-based): chr9:128,353,141, G>A. VCF-style: chr9-128353141-G-A. GRCh37 (hg19) VCF-style: chr9-131115420-G-A.
Other names: short protein forms W368*.
Identifiers: ClinVar variation 3616805 (VCV003616805.2).

ClinVar aggregate classification (germline): Pathogenic (1 of 4 stars; one submission).

gnomAD v4.1: 2 of 1,614,202 alleles (0.00012%); highest among the groups gnomAD compares: Non-Finnish European, 0.00017%; no homozygotes.

Submission:

Labcorp Genetics (formerly Invitae), Labcorp
Classification: Pathogenic. Last evaluated: 2024-02-08. Review status: criteria provided, single submitter. Criteria: Invitae Variant Classification Sherloc (09022015). Collection method: clinical testing. Allele origin: germline.
Comment: This sequence change creates a premature translational stop signal (p.Trp368*) in the SLC27A4 gene. It is expected to result in an absent or disrupted protein product. Loss-of-function variants in SLC27A4 are known to be pathogenic (PMID: 19631310, 21450060). This variant is not present in population databases (gnomAD no frequency). This variant has not been reported in the literature in individuals affected with SLC27A4-related conditions. For these reasons, this variant has been classified as Pathogenic.

Literature cited by the submitters: PubMed 19631310; PubMed 21450060.